The following is an entry in ClinVar:

ClinVar aggregate classification (germline): Uncertain significance (1 of 4 stars; one submission).

Submission:

Labcorp Genetics (formerly Invitae), Labcorp
Classification: Uncertain significance. Last evaluated: 2023-10-29. Review status: criteria provided, single submitter. Criteria: Invitae Variant Classification Sherloc (09022015). Collection method: clinical testing. Allele origin: germline.
Comment: This sequence change replaces alanine, which is neutral and non-polar, with threonine, which is neutral and polar, at codon 289 of the ICOSLG protein (p.Ala289Thr). This variant is present in population databases (no rsID available, gnomAD 0.004%). This variant has not been reported in the literature in individuals affected with ICOSLG-related conditions. Algorithms developed to predict the effect of missense changes on protein structure and function output the following: SIFT: "Not Available"; PolyPhen-2: "Benign"; Align-GVGD: "Not Available". The threonine amino acid residue is found in multiple mammalian species, which suggests that this missense change does not adversely affect protein function. In summary, the available evidence is currently insufficient to determine the role of this variant in disease. Therefore, it has been classified as a Variant of Uncertain Significance.

NM_015259.6(ICOSLG):c.865G>A (p.Ala289Thr)

Gene: ICOSLG (inducible T cell costimulator ligand; minus strand). Cytogenetic location: 21q22.3.
Variant type: single nucleotide variant.
Coding change: c.865G>A on transcript NM_015259.6 (MANE Select); coding-DNA position 865, G replaced by A.
Protein change: p.Ala289Thr; replaces alanine 289 with threonine.
Molecular consequence: missense variant.
Genome position (GRCh38, 1-based): chr21:44,230,087, C>T on the plus strand (G>A on the coding strand, the complement: ICOSLG is on the minus strand). VCF-style: chr21-44230087-C-T. GRCh37 (hg19) VCF-style: chr21-45649970-C-T.
Other names: c.865G>A, p.Ala289Thr (NM_001283050.2, NM_001395918.1); c.514G>A, p.Ala172Thr (NM_001283051.2); c.610G>A, p.Ala204Thr (NM_001283052.2); c.784G>A, p.Ala262Thr (NM_001365759.2); short protein forms A172T, A204T, A289T, A262T.
Identifiers: ClinVar variation 2884649 (VCV002884649.3), dbSNP rs1313892790, ClinGen allele CA410612974.